The following is an entry in ClinVar:

ClinVar aggregate classification (germline): Uncertain significance (1 of 4 stars; one submission).

Conditions:
Shprintzen-Goldberg syndrome (SGS). Also called: SHPRINTZEN-GOLDBERG CRANIOSYNOSTOSIS SYNDROME; CRANIOSYNOSTOSIS WITH ARACHNODACTYLY AND ABDOMINAL HERNIAS; Marfanoid disorder with craniosynostosis type 1; Marfanoid craniosynostosis syndrome; Shprintzen-Goldberg marfanoid syndrome. Identifiers: Orphanet 2462, MedGen C1321551, MONDO:0008426, OMIM 182212.

gnomAD v4.1: 1 of 1,417,506 alleles (0.000071%); highest among the groups gnomAD compares: Non-Finnish European, 0.000093%; no homozygotes.

Submission:

ARUP Laboratories, Molecular Genetics and Genomics, ARUP Laboratories
Classification: Uncertain significance for Shprintzen-Goldberg syndrome. Last evaluated: 2024-12-25. Review status: criteria provided, single submitter. Criteria: ARUP Molecular Germline Variant Investigation Process 2024. Collection method: clinical testing. Allele origin: germline.
Comment: The SKI c.137C>A; p.Ala46Asp variant, to our knowledge, is not reported in the medical literature or gene specific databases. This variant is also absent from the Genome Aggregation Database (v2.1.1), indicating it is not a common polymorphism. Computational analyses are uncertain whether this variant is neutral or deleterious (REVEL: 0.263). Due to limited information, the clinical significance of this variant is uncertain at this time.

NM_003036.4(SKI):c.137C>A (p.Ala46Asp)

Gene: SKI (SKI proto-oncogene; plus strand). Cytogenetic location: 1p36.33.
Variant type: single nucleotide variant.
Coding change: c.137C>A on transcript NM_003036.4 (MANE Select); coding-DNA position 137, C replaced by A.
Protein change: p.Ala46Asp; replaces alanine 46 with aspartic acid.
Molecular consequence: missense variant.
Genome position (GRCh38, 1-based): chr1:2,228,903, C>A. VCF-style: chr1-2228903-C-A. GRCh37 (hg19) VCF-style: chr1-2160342-C-A.
Other names: short protein forms A46D.
Identifiers: ClinVar variation 4685834 (VCV004685834.1).
Genomic context (GRCh38, chr1:2,228,903, plus strand): 5'-TGAGCTCCATGAGCTCGCTGGGCGGCCCGGCCGCTTTCTCGGCGCGCTGGGCGCAGGAGG[C>A]CTACAAGAAGGAGAGCGCCAAGGAGGCGGGCGCGGCCGCGGTGCCGGCGCCGGTGCCCGC-3'
Protein context (NP_003027.1, residues 36-56): AAFSARWAQE[Ala46Asp]YKKESAKEAG